The following is an entry in ClinVar:

ClinVar aggregate classification (germline): Uncertain significance. Review status: criteria provided, multiple submitters, no conflicts (2 of 4 stars). 4 submissions from 4 submitters: Uncertain significance (4). Last evaluated 2026-01-25.

Conditions:
Hereditary cancer-predisposing syndrome. Also called: Hereditary Cancer Syndrome; Neoplastic Syndromes, Hereditary; Tumor predisposition; Hereditary neoplastic syndrome. Identifiers: Orphanet 140162, MedGen C0027672, MeSH D009386, MONDO:0015356.
Ataxia-telangiectasia syndrome (AT). Also called: Cerebello-oculocutaneous telangiectasia; Immunodeficiency with ataxia telangiectasia; Ataxia-telangiectasia, complementation group E; Ataxia-telangiectasia, complementation group D; AT, COMPLEMENTATION GROUP C; ATAXIA-TELANGIECTASIA, COMPLEMENTATION GROUP A. Identifiers: Orphanet 100, MedGen C0004135, MONDO:0008840, OMIM 208900.

Allele frequency attached by ClinVar (database versions not stated): gnomAD exomes 0.00001.
gnomAD v4.1: 10 of 1,612,122 alleles (0.00062%); highest among the groups gnomAD compares: Non-Finnish European, 0.00085%; no homozygotes.

Submissions (4):

Labcorp Genetics (formerly Invitae), Labcorp
Classification: Uncertain significance for Ataxia-telangiectasia syndrome. Last evaluated: 2026-01-25. Review status: criteria provided, single submitter. Criteria: Invitae Variant Classification Sherloc (09022015). Collection method: clinical testing. Allele origin: germline.
Comment: This sequence change replaces proline, which is neutral and non-polar, with threonine, which is neutral and polar, at codon 2512 of the ATM protein (p.Pro2512Thr). This variant is not present in population databases (gnomAD no frequency). This variant has not been reported in the literature in individuals affected with ATM-related conditions. ClinVar contains an entry for this variant (Variation ID: 567656). Invitae Evidence Modeling of protein sequence and biophysical properties (such as structural, functional, and spatial information, amino acid conservation, physicochemical variation, residue mobility, and thermodynamic stability) has been performed for this missense variant. However, the output from this modeling did not meet the statistical confidence thresholds required to predict the impact of this variant on ATM protein function. In summary, the available evidence is currently insufficient to determine the role of this variant in disease. Therefore, it has been classified as a Variant of Uncertain Significance.

Color Diagnostics, LLC DBA Color Health
Classification: Uncertain significance for Hereditary cancer-predisposing syndrome. Last evaluated: 2025-07-21. Review status: criteria provided, single submitter. Criteria: ACMG Guidelines, 2015. Collection method: clinical testing. Allele origin: germline.
Comment: This missense variant replaces proline with threonine at codon 2512 of the ATM protein. Computational prediction suggests that this variant may have deleterious impact on protein structure and function. To our knowledge, functional studies have not been reported for this variant. This variant has not been reported in individuals affected with ATM-related disorders in the literature. This variant has not been identified in the general population by the Genome Aggregation Database (gnomAD). The available evidence is insufficient to determine the role of this variant in disease conclusively. Therefore, this variant is classified as a Variant of Uncertain Significance.

Ambry Genetics
Classification: Uncertain significance for Hereditary cancer-predisposing syndrome. Last evaluated: 2024-11-12. Review status: criteria provided, single submitter. Criteria: Ambry Variant Classification Scheme 2023. Collection method: clinical testing. Allele origin: germline.
Comment: The p.P2512T variant (also known as c.7534C>A), located in coding exon 50 of the ATM gene, results from a C to A substitution at nucleotide position 7534. The proline at codon 2512 is replaced by threonine, an amino acid with highly similar properties. This amino acid position is well conserved in available vertebrate species. In addition, the in silico prediction for this alteration is inconclusive. Based on the available evidence, the clinical significance of this variant remains unclear.

GeneDx
Classification: Uncertain significance. Last evaluated: 2024-03-15. Review status: criteria provided, single submitter. Criteria: GeneDx Variant Classification Process June 2021. Collection method: clinical testing. Allele origin: germline. Affected: yes.
Comment: Not observed at significant frequency in large population cohorts (gnomAD); In silico analysis supports that this missense variant has a deleterious effect on protein structure/function; Has not been previously published as pathogenic or benign to our knowledge; This variant is associated with the following publications: (PMID: 23532176)

NM_000051.4(ATM):c.7534C>A (p.Pro2512Thr)

Genes: ATM (ATM serine/threonine kinase; plus strand), C11orf65 (chromosome 11 open reading frame 65; minus strand). Cytogenetic location: 11q22.3.
Variant type: single nucleotide variant.
Coding change: c.7534C>A on transcript NM_000051.4 (MANE Select); coding-DNA position 7534, C replaced by A.
Protein change: p.Pro2512Thr; replaces proline 2512 with threonine.
Molecular consequence: missense variant. On other transcripts: non-coding transcript variant (1), intron variant (2).
Genome position (GRCh38, 1-based): chr11:108,331,462, C>A. VCF-style: chr11-108331462-C-A. GRCh37 (hg19) VCF-style: chr11-108202189-C-A.
Other names: c.7534C>A, p.Pro2512Thr (NM_001351834.2); c.641-22391G>T (NM_001330368.2); c.*38+3758G>T (NM_001351110.2); short protein forms P2512T.
Identifiers: ClinVar variation 567656 (VCV000567656.13), dbSNP rs1565532052, ClinGen allele CA382560670.